The following is an entry in ClinVar:

ClinVar aggregate classification (germline): Likely pathogenic (1 of 4 stars; one submission).

Conditions:
Primary ciliary dyskinesia. Also called: Ciliary dyskinesia. Identifiers: Orphanet 244, MedGen C0008780, MONDO:0016575, HP:0012265.

gnomAD v4.1: 134 of 1,612,330 alleles (0.0083%); highest among the groups gnomAD compares: South Asian, 0.02%; 1 homozygote.

Submission:

Department of Human Genetics, Hannover Medical School
Classification: Likely pathogenic for Primary Ciliary Dyskinesia. Last evaluated: 2026-04-01. Review status: criteria provided, single submitter. Criteria: ACMG Guidelines, 2015. Collection method: research. Allele origin: germline. Affected: no.
Comment: Classification performed by HerediClassify using the following criteria:['PM2_supporting: Variant occures does not occur as homozygous in gnomAD.', 'PVS1_protein_very_strong: Transcript ENST00000262726 is predicted to undergo NMD.']

NM_022785.4(EFCAB6):c.1325C>A (p.Ser442Ter)

Gene: EFCAB6 (EF-hand calcium binding domain 6; minus strand). Cytogenetic location: 22q13.2.
Variant type: single nucleotide variant.
Coding change: c.1325C>A on transcript NM_022785.4 (MANE Select); coding-DNA position 1325, C replaced by A.
Protein change: p.Ser442Ter; replaces serine 442 with a stop codon.
Molecular consequence: nonsense.
Genome position (GRCh38, 1-based): chr22:43,678,090, G>T on the plus strand (C>A on the coding strand, the complement: EFCAB6 is on the minus strand). VCF-style: chr22-43678090-G-T. GRCh37 (hg19) VCF-style: chr22-44073970-G-T.
Other names: c.869C>A, p.Ser290Ter (NM_198856.3); short protein forms S290*, S442*.
Identifiers: ClinVar variation 4880097 (VCV004880097.1).